The following is an entry in ClinVar:

NM_001098.3(ACO2):c.502C>G (p.Pro168Ala)

Gene: ACO2 (aconitase 2; plus strand). Cytogenetic location: 22q13.2.
Variant type: single nucleotide variant.
Coding change: c.502C>G on transcript NM_001098.3 (MANE Select); coding-DNA position 502, C replaced by G.
Protein change: p.Pro168Ala; replaces proline 168 with alanine.
Molecular consequence: missense variant.
Genome position (GRCh38, 1-based): chr22:41,511,945, C>G. VCF-style: chr22-41511945-C-G. GRCh37 (hg19) VCF-style: chr22-41907949-C-G.
Other names: short protein forms P168A.
Identifiers: ClinVar variation 4807473 (VCV004807473.1).

ClinVar aggregate classification (germline): Uncertain significance (1 of 4 stars; one submission).

gnomAD v4.1: 3 of 1,610,568 alleles (0.00019%); highest among the groups gnomAD compares: African/African-American, 0.004%; no homozygotes.

Submission:

Labcorp Genetics (formerly Invitae), Labcorp
Classification: Uncertain significance. Last evaluated: 2025-09-13. Review status: criteria provided, single submitter. Criteria: Invitae Variant Classification Sherloc (09022015). Collection method: clinical testing. Allele origin: germline.
Comment: This sequence change replaces proline, which is neutral and non-polar, with alanine, which is neutral and non-polar, at codon 168 of the ACO2 protein (p.Pro168Ala). This variant is not present in population databases (gnomAD no frequency). This variant has not been reported in the literature in individuals affected with ACO2-related conditions. Invitae Evidence Modeling of protein sequence and biophysical properties (such as structural, functional, and spatial information, amino acid conservation, physicochemical variation, residue mobility, and thermodynamic stability) indicates that this missense variant is not expected to disrupt ACO2 protein function with a negative predictive value of 80%. In summary, the available evidence is currently insufficient to determine the role of this variant in disease. Therefore, it has been classified as a Variant of Uncertain Significance.